The following is an entry in ClinVar:

ClinVar aggregate classification (germline): Uncertain significance (1 of 4 stars; one submission).

Conditions:
Holoprosencephaly 9 (HPE9). Also called: PITUITARY ANOMALIES WITH HOLOPROSENCEPHALY-LIKE FEATURES; HOLOPROSENCEPHALY WITH MICROPHTHALMIA AND FIRST BRANCHIAL ARCH ANOMALIES. Identifiers: Orphanet 2162, MedGen C1835819, MONDO:0012563, OMIM 610829.
Postaxial polydactyly-anterior pituitary anomalies-facial dysmorphism syndrome. Also called: Culler-Jones syndrome. Identifiers: Orphanet 420584, MedGen C4014479, MONDO:0014369, OMIM 615849.

Submission:

Labcorp Genetics (formerly Invitae), Labcorp
Classification: Uncertain significance for Postaxial polydactyly-anterior pituitary anomalies-facial dysmorphism syndrome; Holoprosencephaly 9. Last evaluated: 2024-07-25. Review status: criteria provided, single submitter. Criteria: Invitae Variant Classification Sherloc (09022015). Collection method: clinical testing. Allele origin: germline.
Comment: This sequence change replaces alanine, which is neutral and non-polar, with glutamic acid, which is acidic and polar, at codon 918 of the GLI2 protein (p.Ala918Glu). This variant is not present in population databases (gnomAD no frequency). This variant has not been reported in the literature in individuals affected with GLI2-related conditions. Advanced modeling of protein sequence and biophysical properties (such as structural, functional, and spatial information, amino acid conservation, physicochemical variation, residue mobility, and thermodynamic stability) performed at Invitae indicates that this missense variant is expected to disrupt GLI2 protein function with a positive predictive value of 80%. In summary, the available evidence is currently insufficient to determine the role of this variant in disease. Therefore, it has been classified as a Variant of Uncertain Significance.

NM_001374353.1(GLI2):c.2702C>A (p.Ala901Glu)

Gene: GLI2 (GLI family zinc finger 2; plus strand). Cytogenetic location: 2q14.2.
Variant type: single nucleotide variant.
Coding change: c.2702C>A on transcript NM_001374353.1 (MANE Select); coding-DNA position 2702, C replaced by A.
Protein change: p.Ala901Glu; replaces alanine 901 with glutamic acid.
Molecular consequence: missense variant.
Genome position (GRCh38, 1-based): chr2:120,988,667, C>A. VCF-style: chr2-120988667-C-A. GRCh37 (hg19) VCF-style: chr2-121746243-C-A.
Other names: c.2327C>A, p.Ala776Glu (NM_001374354.1); c.2753C>A, p.Ala918Glu (NM_005270.5, NM_001371271.1); short protein forms A776E, A901E, A918E.
Identifiers: ClinVar variation 3763258 (VCV003763258.2).